The following is an entry in ClinVar:

ClinVar aggregate classification (germline): Uncertain significance (1 of 4 stars; one submission).

Allele frequency attached by ClinVar (database versions not stated): gnomAD exomes below 0.00001.
gnomAD v4.1: 1 of 1,614,084 alleles (0.000062%); highest among the groups gnomAD compares: Non-Finnish European, 0.000085%; no homozygotes.

Submission:

Labcorp Genetics (formerly Invitae), Labcorp
Classification: Uncertain significance. Last evaluated: 2024-01-19. Review status: criteria provided, single submitter. Criteria: Invitae Variant Classification Sherloc (09022015). Collection method: clinical testing. Allele origin: germline.
Comment: This sequence change replaces serine, which is neutral and polar, with asparagine, which is neutral and polar, at codon 1722 of the HIVEP2 protein (p.Ser1722Asn). This variant is not present in population databases (gnomAD no frequency). This variant has not been reported in the literature in individuals affected with HIVEP2-related conditions. Advanced modeling of protein sequence and biophysical properties (such as structural, functional, and spatial information, amino acid conservation, physicochemical variation, residue mobility, and thermodynamic stability) performed at Invitae indicates that this missense variant is not expected to disrupt HIVEP2 protein function with a negative predictive value of 80%. In summary, the available evidence is currently insufficient to determine the role of this variant in disease. Therefore, it has been classified as a Variant of Uncertain Significance.

NM_006734.4(HIVEP2):c.5165G>A (p.Ser1722Asn)

Gene: HIVEP2 (HIVEP zinc finger 2; minus strand). Cytogenetic location: 6q24.2.
Variant type: single nucleotide variant.
Coding change: c.5165G>A on transcript NM_006734.4 (MANE Select); coding-DNA position 5165, G replaced by A.
Protein change: p.Ser1722Asn; replaces serine 1722 with asparagine.
Molecular consequence: missense variant.
Genome position (GRCh38, 1-based): chr6:142,769,574, C>T on the plus strand (G>A on the coding strand, the complement: HIVEP2 is on the minus strand). VCF-style: chr6-142769574-C-T. GRCh37 (hg19) VCF-style: chr6-143090711-C-T.
Other names: short protein forms S1722N.
Identifiers: ClinVar variation 2777833 (VCV002777833.3), dbSNP rs2482816566, ClinGen allele CA365894436.
Genomic context (GRCh38, chr6:142,769,574, plus strand): 5'-CCACAATACAAAGTTCTTCCTAAAACAGTATTTGTTACCTGAGTAAACTGCTTCCAAGCA[C>T]TTGATGATGTAAGCTTGCCGGTTCCAGGCCTATGCATAGCAGCCAGAGTATAAATTTCTG-3'
Protein context (NP_006725.3, residues 1712-1732): RPGTGKLTSS[Ser1722Asn]AWKQFTQMKP